The following is an entry in ClinVar:

ClinVar aggregate classification (germline): Benign/Likely benign. Review status: criteria provided, multiple submitters, no conflicts (2 of 4 stars). 4 submissions from 4 submitters: Benign (2); Likely benign (2). Last evaluated 2026-08-01.

Conditions:
Neuronal ceroid lipofuscinosis. Also called: Neuronal Ceroid Lipofuscinoses. Identifiers: Orphanet 216, Orphanet 79263, MedGen C0027877, MONDO:0016295. Disease mechanism: loss of function.

Allele frequency attached by ClinVar (database versions not stated): ESP Exome Variant Server 0.00008; gnomAD exomes 0.00008 and 0.00029; gnomAD 0.00019 and 0.00025; ExAC 0.00023; TOPMed 0.00024; 1000 Genomes Project 30x 0.00125; 1000 Genomes Project 0.00140.
gnomAD v4.1: 162 of 1,613,858 alleles (0.01%); highest among the groups gnomAD compares: East Asian, 0.25%; no homozygotes.

Submissions (4):

CeGaT Center for Human Genetics Tuebingen
Classification: Likely benign. Last evaluated: 2026-08-01. Review status: criteria provided, single submitter. Criteria: CeGaT Center For Human Genetics Tuebingen Variant Classification Criteria Version 2. Collection method: clinical testing. Allele origin: germline. Affected: yes. Observed: 1 variant allele.
Comment: CLN6: BP4

Labcorp Genetics (formerly Invitae), Labcorp
Classification: Benign for Neuronal ceroid lipofuscinosis. Last evaluated: 2026-02-04. Review status: criteria provided, single submitter. Criteria: Invitae Variant Classification Sherloc (09022015). Collection method: clinical testing. Allele origin: germline.

Blueprint Genetics
Classification: Likely benign. Last evaluated: 2024-03-07. Review status: criteria provided, single submitter. Criteria: ACMG Guidelines, 2015. Collection method: clinical testing. Allele origin: germline.

GeneDx
Classification: Benign. Last evaluated: 2015-03-03. Review status: criteria provided, single submitter. Criteria: GeneDx Variant Classification Process June 2021. Collection method: clinical testing. Allele origin: germline. Affected: yes.

NM_017882.3(CLN6):c.487-8T>C

Gene: CLN6 (CLN6 transmembrane ER protein; minus strand). Cytogenetic location: 15q23.
Variant type: single nucleotide variant.
Coding change: c.487-8T>C on transcript NM_017882.3 (MANE Select); 8 bases into the intron before coding-DNA position 487, T replaced by C.
Molecular consequence: intron variant.
Genome position (GRCh38, 1-based): chr15:68,211,326, A>G on the plus strand (T>C on the coding strand, the complement: CLN6 is on the minus strand). VCF-style: chr15-68211326-A-G. GRCh37 (hg19) VCF-style: chr15-68503664-A-G.
Identifiers: ClinVar variation 696670 (VCV000696670.14), dbSNP rs202046680, ClinGen allele CA7630569.
Genomic context (GRCh38, chr15:68,211,326, plus strand): 5'-ATGCAGTGACCCAGGTACTCATCATAATAGTAGAGCAGCTCAAAGGAGTCGATCTGAGGG[A>G]GGAACGGGCAGGGCAGAGTCGGGGGATGTCGATGTCAGTCCAGGGAGGTGCTGGGGCCCC-3'